The following is an entry in ClinVar:

ClinVar aggregate classification (germline): Likely benign (1 of 4 stars; one submission).

Allele frequency attached by ClinVar (database versions not stated): TOPMed below 0.00001; gnomAD 0.00001; gnomAD exomes 0.00001.
gnomAD v4.1: 9 of 1,613,952 alleles (0.00056%); highest among the groups gnomAD compares: Admixed American, 0.0033%; no homozygotes.

Submission:

CeGaT Center for Human Genetics Tuebingen
Classification: Likely benign. Last evaluated: 2023-06-01. Review status: criteria provided, single submitter. Criteria: CeGaT Center For Human Genetics Tuebingen Variant Classification Criteria Version 2. Collection method: clinical testing. Allele origin: germline. Affected: yes. Observed: 1 variant allele.
Comment: DCC: BP4, BP7

NM_005215.4(DCC):c.3741C>T (p.Val1247=)

Gene: DCC (DCC netrin 1 receptor; plus strand). Cytogenetic location: 18q21.2.
Variant type: single nucleotide variant.
Coding change: c.3741C>T on transcript NM_005215.4 (MANE Select); coding-DNA position 3741, C replaced by T.
Protein change: p.Val1247=; no amino-acid change (valine 1247 retained).
Molecular consequence: synonymous variant.
Genome position (GRCh38, 1-based): chr18:53,486,801, C>T. VCF-style: chr18-53486801-C-T. GRCh37 (hg19) VCF-style: chr18-51013171-C-T.
Identifiers: ClinVar variation 2648729 (VCV002648729.24), dbSNP rs1187507146, ClinGen allele CA8967626.